The following is an entry in ClinVar:

ClinVar aggregate classification (germline): Uncertain significance. Review status: criteria provided, multiple submitters, no conflicts (2 of 4 stars). 2 submissions from 2 submitters: Uncertain significance (2). Last evaluated 2026-08-19.

Conditions:
Inborn genetic diseases. Identifiers: MedGen C0950123, MeSH D030342.
SCAPER-related disorder. Also called: SCAPER-related condition.

gnomAD v4.1: 17 of 1,613,800 alleles (0.0011%); highest among the groups gnomAD compares: East Asian, 0.0022%; no homozygotes.

Submissions (2):

Ambry Genetics
Classification: Uncertain significance for Inborn genetic diseases. Last evaluated: 2026-08-19. Review status: criteria provided, single submitter. Criteria: Ambry Variant Classification Scheme 2023. Collection method: clinical testing. Allele origin: germline.

PreventionGenetics, part of Exact Sciences
Classification: Uncertain significance for SCAPER-related condition. Last evaluated: 2025-04-25. Review status: criteria provided, single submitter. Criteria: ACMG Guidelines, 2015. Collection method: clinical testing. Allele origin: germline.
Comment: The SCAPER c.280C>T variant is predicted to result in the amino acid substitution p.Arg94Trp. To our knowledge, this variant has not been reported in the literature. This variant is reported in 0.0031% of alleles in individuals of European (Non-Finnish) descent in gnomAD. At this time, the clinical significance of this variant is uncertain due to the absence of conclusive functional and genetic evidence.

NM_020843.4(SCAPER):c.280C>T (p.Arg94Trp)

Gene: SCAPER (S-phase cyclin A associated protein in the ER; minus strand). Cytogenetic location: 15q24.3.
Variant type: single nucleotide variant.
Coding change: c.280C>T on transcript NM_020843.4 (MANE Select); coding-DNA position 280, C replaced by T.
Protein change: p.Arg94Trp; replaces arginine 94 with tryptophan.
Molecular consequence: missense variant. On other transcripts: 5 prime UTR variant (4), non-coding transcript variant (1).
Genome position (GRCh38, 1-based): chr15:76,841,847, G>A on the plus strand (C>T on the coding strand, the complement: SCAPER is on the minus strand). VCF-style: chr15-76841847-G-A. GRCh37 (hg19) VCF-style: chr15-77134188-G-A.
Other names: c.-618C>T (NM_001145923.2); c.280C>T, p.Arg94Trp (NM_001353009.2); c.-123C>T (NM_001353010.2, NM_001353011.2, NM_001353012.2); c.280C>T (NM_020843.2); short protein forms R94W.
Identifiers: ClinVar variation 4988140 (VCV004988140.2).
Genomic context (GRCh38, chr15:76,841,847, plus strand): 5'-CTGCTCGGCGAAGATTATCAAAAAGAAATGCCCAGTATCGAGCTCTTAGATCAATTTTCC[G>A]AGGGTGCCTTGTTTTAGTGGGACTTTTATCAAAGTGTTTATCTCCAGTCGTAGACGATGT-3'
Protein context (NP_065894.2, residues 84-104): DKSPTKTRHP[Arg94Trp]KIDLRARYWA